The following is an entry in ClinVar:

NM_002890.3(RASA1):c.1086T>A (p.Tyr362Ter)

Genes: CCNH (cyclin H; minus strand), RASA1 (RAS p21 protein activator 1; plus strand). Cytogenetic location: 5q14.3.
Variant type: single nucleotide variant.
Coding change: c.1086T>A on transcript NM_002890.3 (MANE Select); coding-DNA position 1086, T replaced by A.
Protein change: p.Tyr362Ter; replaces tyrosine 362 with a stop codon.
Molecular consequence: nonsense. On other transcripts: intron variant (1).
Genome position (GRCh38, 1-based): chr5:87,346,708, T>A. VCF-style: chr5-87346708-T-A. GRCh37 (hg19) VCF-style: chr5-86642525-T-A.
Other names: c.555T>A, p.Tyr185Ter (NM_022650.3); c.934-33913A>T (NM_001364075.2); short protein forms Y185*, Y362*.
Identifiers: ClinVar variation 4530317 (VCV004530317.1).

ClinVar aggregate classification (somatic clinical impact): Tier II - Potential (1 of 4 stars; one submission).

Conditions:
Malignant spindle cell neoplasm. Identifiers: MedGen C0334230, MONDO:0020663.

Submission:

Institute for Genomic Medicine (IGM) Clinical Laboratory, Nationwide Children's Hospital
Classification: Tier II - Potential for Malignant spindle cell neoplasm. Assertion type: diagnostic. Clinical significance: supports diagnosis. Last evaluated: 2024-01-05. Review status: criteria provided, single submitter. Criteria: AMP/ASCO/CAP Guidelines, 2017. Collection method: clinical testing. Allele origin: somatic. Affected: yes.
Comment: Variant has Tier II (potential) clinical significance as a diagnostic inclusion criterion in malignant spindle cell neoplasm, based on the following evidence: 1) Documented in one or more cancer databases (e.g., St. Jude Pecan, COSMIC, CIViC, OncoKB). 2) Information in the literature supports potential biologic effect of variant (PMIDs: 1689011, 9034330, 9121432, 24038909). 3) Diagnostic significance based on multiple small studies (Evidence Level C; PMIDs: 2530397, 19372580, 24390350).

Literature cited by the submitters: PubMed 1689011; PubMed 9034330; PubMed 9121432; PubMed 24038909; PubMed 2530397; PubMed 19372580; PubMed 24390350.